The following is an entry in ClinVar:

NM_001370298.3(FGD4):c.2123del (p.Pro708fs)

Gene: FGD4 (FYVE, RhoGEF and PH domain containing 4; plus strand). Cytogenetic location: 12p11.21.
Variant type: Deletion.
Coding change: c.2123del on transcript NM_001370298.3 (MANE Select); coding-DNA position 2123, one base deleted (C; older notation c.2123delC).
Protein change: p.Pro708fs; shifts the reading frame from proline 708.
Molecular consequence: frameshift variant.
Genome position (GRCh38, 1-based): chr12:32,625,730, C deleted; the last of 2 consecutive C bases (chr12:32,625,729-32,625,730); deleting either gives the same sequence. VCF-style (leftmost placement, unchanged base first): chr12-32625728-AC-A. GRCh37 (hg19) VCF-style: chr12-32778662-AC-A.
Other names: c.1433del, p.Pro478fs (NM_001330373.2, NM_001330374.2, NM_001384130.1); c.1160del, p.Pro387fs (NM_001370297.1); c.2123del, p.Pro708fs (NM_001384126.1); c.1712del, p.Pro571fs (NM_001384127.1, NM_001384128.1, NM_001385118.1 and 1 more transcripts); c.1967del, p.Pro656fs (NM_001304481.2); c.968del, p.Pro323fs (NM_001304483.2); c.680del, p.Pro227fs (NM_001304484.2); short protein forms P227fs, P323fs, P387fs, P478fs, P571fs, P656fs, P708fs.
Identifiers: ClinVar variation 4279590 (VCV004279590.1).

ClinVar aggregate classification (germline): Likely pathogenic (1 of 4 stars; one submission).

Conditions:
Charcot-Marie-Tooth disease type 4H (CMT4H). Also called: CHARCOT-MARIE-TOOTH DISEASE, DEMYELINATING, TYPE 4H; CHARCOT-MARIE-TOOTH DISEASE, AUTOSOMAL RECESSIVE, TYPE 4H; CHARCOT-MARIE-TOOTH DISEASE, DEMYELINATING, AUTOSOMAL RECESSIVE, TYPE 4H; CHARCOT-MARIE-TOOTH NEUROPATHY, TYPE 4H. Identifiers: Orphanet 99954, MedGen C1836336, MONDO:0012250, OMIM 609311.

Submission:

Diagnostics Services (NGS), CSIR - Centre For Cellular And Molecular Biology
Classification: Likely pathogenic for Charcot-Marie-Tooth disease type 4H. Last evaluated: 2025-08-01. Review status: criteria provided, single submitter. Criteria: ACMG Guidelines, 2015. Collection method: clinical testing. Allele origin: germline. Affected: yes. Observed: 1 variant allele, 1 heterozygote.
Comment: The c.2123del variant is not present in publicly available population databases like 1000 Genomes, EVS, gnomAD, Indian Exome Database or our internal database. This variant has neither been published in the literature for FGD4-related conditions nor reported to clinical databases like Human Genome Mutation Database (HGMD), ClinVar or OMIM in any affected individuals. In-silico pathogenicity prediction programs like MutationTaster2021, CADD, Franklin, Varsome etc predicted this variant to be likely deleterious. This variant causes frameshift at the 708th amino acid position of the wild-type transcript that creates a premature translational stop signal at the altered transcript that may either result in translation of a truncated protein or cause nonsense mediated decay of the mRNA.